The following is an entry in ClinVar:

NM_001429.4(EP300):c.6743C>T (p.Ala2248Val)

Gene: EP300 (EP300 lysine acetyltransferase; plus strand). Cytogenetic location: 22q13.2.
Variant type: single nucleotide variant.
Coding change: c.6743C>T on transcript NM_001429.4 (MANE Select); coding-DNA position 6743, C replaced by T.
Protein change: p.Ala2248Val; replaces alanine 2248 with valine.
Molecular consequence: missense variant.
Genome position (GRCh38, 1-based): chr22:41,178,454, C>T. VCF-style: chr22-41178454-C-T. GRCh37 (hg19) VCF-style: chr22-41574458-C-T.
Other names: c.6743C>T (NM_001429.3); c.6665C>T, p.Ala2222Val (NM_001362843.2); short protein forms A2222V, A2248V.
Identifiers: ClinVar variation 1896149 (VCV001896149.6), dbSNP rs750553966, ClinGen allele CA10253942.

ClinVar aggregate classification (germline): Conflicting classifications of pathogenicity. Review status: criteria provided, conflicting classifications (1 of 4 stars). 2 submissions from 2 submitters: Uncertain significance (1); Benign (1). Last evaluated 2026-06-03.

Conditions:
Inborn genetic diseases. Identifiers: MedGen C0950123, MeSH D030342.
Rubinstein-Taybi syndrome due to EP300 haploinsufficiency. Also called: EP300-Related Rubinstein-Taybi Syndrome; RUBINSTEIN-TAYBI SYNDROME 2. Identifiers: Orphanet 353284, Orphanet 783, MedGen C3150941, MONDO:0013364, OMIM 613684.

Allele frequency attached by ClinVar (database versions not stated): ExAC 0.00001.
gnomAD v4.1: 1 of 1,614,100 alleles (0.000062%); no homozygotes.

Submissions (2):

Ambry Genetics
Classification: Uncertain significance for Inborn genetic diseases. Last evaluated: 2026-06-03. Review status: criteria provided, single submitter. Criteria: Ambry Variant Classification Scheme 2023. Collection method: clinical testing. Allele origin: germline.
Comment: The c.6743C>T (p.A2248V) alteration is located in exon 31 (coding exon 31) of the EP300 gene. This alteration results from a C to T substitution at nucleotide position 6743, causing the alanine (A) at amino acid position 2248 to be replaced by a valine (V). Based on data from gnomAD, the T allele has an overall frequency of <0.001% (1/251196) total alleles studied. The highest observed frequency was 0.003% (1/30616) of South Asian alleles. Based on insufficient or conflicting evidence, the clinical significance of this alteration remains unclear.

Labcorp Genetics (formerly Invitae), Labcorp
Classification: Benign for Rubinstein-Taybi syndrome due to EP300 haploinsufficiency. Last evaluated: 2022-07-19. Review status: criteria provided, single submitter. Criteria: Invitae Variant Classification Sherloc (09022015). Collection method: clinical testing. Allele origin: germline.